The following is an entry in ClinVar:

ClinVar aggregate classification (germline): Uncertain significance (1 of 4 stars; one submission).

Conditions:
Bloom syndrome (BLM). Also called: Bloom-Torre-Machacek syndrome. Identifiers: Orphanet 125, MedGen C0005859, MONDO:0008876, OMIM 210900.

Submission:

Labcorp Genetics (formerly Invitae), Labcorp
Classification: Uncertain significance for Bloom syndrome. Last evaluated: 2025-07-06. Review status: criteria provided, single submitter. Criteria: Invitae Variant Classification Sherloc (09022015). Collection method: clinical testing. Allele origin: germline.
Comment: This sequence change replaces glycine, which is neutral and non-polar, with arginine, which is basic and polar, at codon 952 of the BLM protein (p.Gly952Arg). This variant is not present in population databases (gnomAD no frequency). This variant has not been reported in the literature in individuals affected with BLM-related conditions. Invitae Evidence Modeling of protein sequence and biophysical properties (such as structural, functional, and spatial information, amino acid conservation, physicochemical variation, residue mobility, and thermodynamic stability) indicates that this missense variant is expected to disrupt BLM protein function with a positive predictive value of 80%. In summary, the available evidence is currently insufficient to determine the role of this variant in disease. Therefore, it has been classified as a Variant of Uncertain Significance.

NM_000057.4(BLM):c.2854G>A (p.Gly952Arg)

Gene: BLM (BLM RecQ like helicase; plus strand). Cytogenetic location: 15q26.1.
Variant type: single nucleotide variant.
Coding change: c.2854G>A on transcript NM_000057.4 (MANE Select); coding-DNA position 2854, G replaced by A.
Protein change: p.Gly952Arg; replaces glycine 952 with arginine.
Molecular consequence: missense variant.
Genome position (GRCh38, 1-based): chr15:90,790,679, G>A. VCF-style: chr15-90790679-G-A. GRCh37 (hg19) VCF-style: chr15-91333909-G-A.
Other names: c.2854G>A, p.Gly952Arg (NM_001287246.2, NM_001287247.2); c.1729G>A, p.Gly577Arg (NM_001287248.2); short protein forms G577R, G952R.
Identifiers: ClinVar variation 4743725 (VCV004743725.1).
Genomic context (GRCh38, chr15:90,790,679, plus strand): 5'-GAATCTAATAAGCTTTTGCTTTTATATCAGGTTATCTGTGCTACAATTGCATTTGGAATG[G>A]GGATTGACAAACCGGACGTGCGATTTGTGATTCATGCATCTCTCCCTAAATCTGTGGAGG-3'
Protein context (NP_000048.1, residues 942-962): VICATIAFGM[Gly952Arg]IDKPDVRFVI